The following is an entry in ClinVar:

NM_001112741.2(KCNC1):c.1258T>G (p.Cys420Gly)

Gene: KCNC1 (potassium voltage-gated channel subfamily C member 1; plus strand). Cytogenetic location: 11p15.1.
Variant type: single nucleotide variant.
Coding change: c.1258T>G on transcript NM_001112741.2 (MANE Select); coding-DNA position 1258, T replaced by G.
Protein change: p.Cys420Gly; replaces cysteine 420 with glycine.
Molecular consequence: missense variant.
Genome position (GRCh38, 1-based): chr11:17,772,352, T>G. VCF-style: chr11-17772352-T-G. GRCh37 (hg19) VCF-style: chr11-17793899-T-G.
Other names: c.1258T>G, p.Cys420Gly (NM_004976.4); short protein forms C420G.
Identifiers: ClinVar variation 3236577 (VCV003236577.1), dbSNP rs2497801057, ClinGen allele CA379808863.

ClinVar aggregate classification (germline): Uncertain significance (1 of 4 stars; one submission).

Conditions:
Progressive myoclonic epilepsy type 7. Identifiers: Orphanet 435438, MedGen C4015420, MONDO:0014521, OMIM 616187.

Submission:

Clinical Genomics Laboratory, Washington University in St. Louis
Classification: Uncertain significance for Progressive myoclonic epilepsy type 7. Last evaluated: 2024-02-05. Review status: criteria provided, single submitter. Criteria: ACMG Guidelines, 2015. Collection method: clinical testing. Allele origin: germline.
Comment: The KCNC1 c.1258T>G (p.Cys420Gly) variant, to our knowledge, has not been reported in the medical literature and is absent from the general population (gnomAD v.2.1.1), indicating it is not a common variant. Computational predictors indicate that the variant is damaging, evidence that correlates with impact to KCNC1 function. Due to limited information, and based on ACMG/AMP guidelines for variant interpretation (Richards S et al., PMID: 25741868), the clinical significance of this variant is uncertain at this time.